The following is an entry in ClinVar:

ClinVar aggregate classification (germline): Uncertain significance. Review status: criteria provided, multiple submitters, no conflicts (2 of 4 stars). 3 submissions from 3 submitters: Uncertain significance (3). Last evaluated 2023-11-27.

Conditions:
Hereditary cancer-predisposing syndrome. Also called: Neoplastic Syndromes, Hereditary; Hereditary neoplastic syndrome; Tumor predisposition; Hereditary Cancer Syndrome. Identifiers: Orphanet 140162, MedGen C0027672, MeSH D009386, MONDO:0015356.
Microcephaly, normal intelligence and immunodeficiency (NBS). Also called: Immunodeficiency, microcephaly with normal intelligence; Ataxia telangiectasia variant V1; IMMUNODEFICIENCY, MICROCEPHALY, AND CHROMOSOMAL INSTABILITY; BERLIN BREAKAGE SYNDROME; SEEMANOVA SYNDROME II; Nijmegen breakage syndrome. Identifiers: Orphanet 647, MedGen C0398791, MONDO:0009623, OMIM 251260.

Allele frequency attached by ClinVar (database versions not stated): gnomAD exomes below 0.00001; TOPMed below 0.00001; gnomAD 0.00001.
gnomAD v4.1: 3 of 1,581,932 alleles (0.00019%); highest among the groups gnomAD compares: African/African-American, 0.0027%; no homozygotes.

Submissions (3):

Ambry Genetics
Classification: Uncertain significance for Hereditary cancer-predisposing syndrome. Last evaluated: 2023-11-27. Review status: criteria provided, single submitter. Criteria: Ambry Variant Classification Scheme 2023. Collection method: clinical testing. Allele origin: germline.
Comment: The p.L626R variant (also known as c.1877T>G), located in coding exon 12 of the NBN gene, results from a T to G substitution at nucleotide position 1877. The leucine at codon 626 is replaced by arginine, an amino acid with dissimilar properties. This amino acid position is not well conserved in available vertebrate species. In addition, this alteration is predicted to be tolerated by in silico analysis. Since supporting evidence is limited at this time, the clinical significance of this alteration remains unclear.

Labcorp Genetics (formerly Invitae), Labcorp
Classification: Uncertain significance for Microcephaly, normal intelligence and immunodeficiency. Last evaluated: 2023-07-10. Review status: criteria provided, single submitter. Criteria: Invitae Variant Classification Sherloc (09022015). Collection method: clinical testing. Allele origin: germline.
Comment: In summary, the available evidence is currently insufficient to determine the role of this variant in disease. Therefore, it has been classified as a Variant of Uncertain Significance. An algorithm developed to predict the effect of missense changes on protein structure and function (PolyPhen-2) suggests that this variant is likely to be disruptive. ClinVar contains an entry for this variant (Variation ID: 530716). This variant has not been reported in the literature in individuals affected with NBN-related conditions. This variant is not present in population databases (gnomAD no frequency). This sequence change replaces leucine, which is neutral and non-polar, with arginine, which is basic and polar, at codon 626 of the NBN protein (p.Leu626Arg).

Genome-Nilou Lab
Classification: Uncertain significance for Microcephaly, normal intelligence and immunodeficiency. Last evaluated: 2021-11-07. Review status: criteria provided, single submitter. Criteria: ACMG Guidelines, 2015. Collection method: clinical testing. Allele origin: germline. Affected: no.

NM_002485.5(NBN):c.1877T>G (p.Leu626Arg)

Genes: NBN (nibrin; minus strand), LOC126860438 (MED14-independent group 3 enhancer GRCh37_chr8:90959982-90961181; plus strand). Cytogenetic location: 8q21.3.
Variant type: single nucleotide variant.
Coding change: c.1877T>G on transcript NM_002485.5 (MANE Select); coding-DNA position 1877, T replaced by G.
Protein change: p.Leu626Arg; replaces leucine 626 with arginine.
Molecular consequence: missense variant.
Genome position (GRCh38, 1-based): chr8:89,947,861, A>C on the plus strand (T>G on the coding strand, the complement: NBN is on the minus strand). VCF-style: chr8-89947861-A-C. GRCh37 (hg19) VCF-style: chr8-90960089-A-C.
Other names: c.1631T>G, p.Leu544Arg (NM_001024688.3); short protein forms L626R, L544R.
Identifiers: ClinVar variation 530716 (VCV000530716.15), dbSNP rs1237629649, ClinGen allele CA371677254.